The following is an entry in ClinVar:

NM_005993.5(TBCD):c.874C>G (p.Leu292Val)

Gene: TBCD (tubulin folding cofactor D). Cytogenetic location: 17q25.3.
Variant type: single nucleotide variant.
Coding change: c.874C>G on transcript NM_005993.5 (MANE Select); coding-DNA position 874, C replaced by G.
Protein change: p.Leu292Val; replaces leucine 292 with valine.
Molecular consequence: missense variant.
Genome position (GRCh38, 1-based): chr17:82,800,920, C>G. VCF-style: chr17-82800920-C-G. GRCh37 (hg19) VCF-style: chr17-80758796-C-G.
Other names: c.874C>G (NM_005993.4); short protein forms L292V.
Identifiers: ClinVar variation 1466686 (VCV001466686.7), dbSNP rs375327000, ClinGen allele CA8861795.

ClinVar aggregate classification (germline): Conflicting classifications of pathogenicity. Review status: criteria provided, conflicting classifications (1 of 4 stars). 3 submissions from 3 submitters: Uncertain significance (2); Likely benign (1). Last evaluated 2024-07-17.

Conditions:
TBCD-related disorder. Also called: TBCD-related condition.
Inborn genetic diseases. Identifiers: MedGen C0950123, MeSH D030342.

Allele frequency attached by ClinVar (database versions not stated): gnomAD 0.00004 and 0.00003; TOPMed 0.00008; ESP Exome Variant Server 0.00016; gnomAD exomes 0.00001 and 0.00002; ExAC 0.00002.
gnomAD v4.1: 24 of 1,612,316 alleles (0.0015%); highest among the groups gnomAD compares: African/African-American, 0.025%; no homozygotes.

Submissions (3):

Ambry Genetics
Classification: Uncertain significance for Inborn genetic diseases. Last evaluated: 2024-07-17. Review status: criteria provided, single submitter. Criteria: Ambry Variant Classification Scheme 2023. Collection method: clinical testing. Allele origin: germline.

Labcorp Genetics (formerly Invitae), Labcorp
Classification: Likely benign. Last evaluated: 2024-01-30. Review status: criteria provided, single submitter. Criteria: Invitae Variant Classification Sherloc (09022015). Collection method: clinical testing. Allele origin: germline.

PreventionGenetics, part of Exact Sciences
Classification: Uncertain significance for TBCD-related condition. Last evaluated: 2022-12-19. Review status: criteria provided, single submitter. Criteria: ACMG Guidelines, 2015. Collection method: clinical testing. Allele origin: germline.
Comment: The TBCD c.874C>G variant is predicted to result in the amino acid substitution p.Leu292Val. To our knowledge, this variant has not been reported in the literature. This variant is reported in 0.017% of alleles in individuals of African descent in gnomAD. At this time, the clinical significance of this variant is uncertain due to the absence of conclusive functional and genetic evidence.